The following is an entry in ClinVar:

ClinVar aggregate classification (germline): Uncertain significance (1 of 4 stars; one submission).

Conditions:
Hereditary sensory and autonomic neuropathy type 6. Also called: Neuropathy, hereditary sensory and autonomic, type VI; HSAN VI. Identifiers: Orphanet 314381, MedGen C3539003, MONDO:0013839, OMIM 614653.
Epidermolysis bullosa simplex 3, localized or generalized intermediate, with BP230 deficiency (EBS3). Also called: Epidermolysis bullosa simplex, autosomal recessive 2; Epidermolysis bullosa simplex due to BP230 deficiency. Identifiers: Orphanet 412181, MedGen C3809470, MONDO:0014180, OMIM 615425.

Allele frequency attached by ClinVar (database versions not stated): gnomAD exomes 0.00001 and 0.00002; gnomAD 0.00002 and 0.00003; TOPMed 0.00003; 1000 Genomes Project 30x 0.00016; 1000 Genomes Project 0.00020.
gnomAD v4.1: 24 of 1,580,346 alleles (0.0015%); highest among the groups gnomAD compares: East Asian, 0.023%; no homozygotes.

Submission:

Labcorp Genetics (formerly Invitae), Labcorp
Classification: Uncertain significance for Epidermolysis bullosa simplex 3, localized or generalized intermediate, with BP230 deficiency; Hereditary sensory and autonomic neuropathy type 6. Last evaluated: 2024-02-26. Review status: criteria provided, single submitter. Criteria: Invitae Variant Classification Sherloc (09022015). Collection method: clinical testing. Allele origin: germline.
Comment: The DST gene has multiple clinically relevant transcripts. This variant occurs in alternate transcript NM_015548.4, and corresponds to NM_001723.5:c.*149318A>G in the primary transcript. This sequence change falls in intron 79 of the DST gene. It does not directly change the encoded amino acid sequence of the DST protein. This variant is present in population databases (rs199834581, gnomAD 0.03%). This variant has not been reported in the literature in individuals affected with DST-related conditions. Experimental studies and prediction algorithms are not available or were not evaluated, and the effect of this variant on mRNA splicing is currently unknown. In summary, the available evidence is currently insufficient to determine the role of this variant in disease. Therefore, it has been classified as a Variant of Uncertain Significance.

NM_001374736.1(DST):c.22570-4A>G

Gene: DST (dystonin; minus strand). Cytogenetic location: 6p12.1.
Variant type: single nucleotide variant.
Coding change: c.22570-4A>G on transcript NM_001374736.1 (MANE Select); 4 bases into the intron before coding-DNA position 22570, A replaced by G.
Molecular consequence: intron variant.
Genome position (GRCh38, 1-based): chr6:56,466,199, T>C on the plus strand (A>G on the coding strand, the complement: DST is on the minus strand). VCF-style: chr6-56466199-T-C. GRCh37 (hg19) VCF-style: chr6-56330997-T-C.
Other names: c.16213-4A>G (NM_001144769.5); c.22570-4A>G (NM_001374722.1); c.22597-4A>G (NM_001374734.1); c.15799-4A>G (NM_001144770.2); c.15352-4A>G (NM_001374730.1); c.15661-4A>G (NM_001386100.1); c.15679-4A>G (NM_183380.4); c.21610-4A>G (NM_001374729.1); and 1 more.
Identifiers: ClinVar variation 649196 (VCV000649196.7), dbSNP rs199834581, ClinGen allele CA139166736.